The following is an entry in ClinVar:

NM_014215.3(INSRR):c.56C>T (p.Ser19Phe)

Genes: INSRR (insulin receptor related receptor; minus strand), NTRK1 (neurotrophic receptor tyrosine kinase 1; plus strand). Cytogenetic location: 1q23.1.
Variant type: single nucleotide variant.
Coding change: c.56C>T on transcript NM_014215.3 (MANE Select); coding-DNA position 56, C replaced by T.
Protein change: p.Ser19Phe; replaces serine 19 with phenylalanine.
Molecular consequence: missense variant. On other transcripts: intron variant (1).
Genome position (GRCh38, 1-based): chr1:156,858,566, G>A on the plus strand (C>T on the coding strand, the complement: INSRR is on the minus strand). VCF-style: chr1-156858566-G-A. GRCh37 (hg19) VCF-style: chr1-156828358-G-A.
Other names: c.123-5788G>A (NM_001007792.1); short protein forms S19F.
Identifiers: ClinVar variation 1879098 (VCV001879098.26), dbSNP rs140915043, ClinGen allele CA1168789.

ClinVar aggregate classification (germline): Likely benign (1 of 4 stars; one submission).

Allele frequency attached by ClinVar (database versions not stated): ExAC 0.00025; TOPMed 0.00028; gnomAD 0.00029; ESP Exome Variant Server 0.00023.
gnomAD v4.1: 437 of 1,614,044 alleles (0.027%); highest among the groups gnomAD compares: Admixed American, 0.063%; no homozygotes.

Submission:

CeGaT Center for Human Genetics Tuebingen
Classification: Likely benign. Last evaluated: 2023-08-01. Review status: criteria provided, single submitter. Criteria: CeGaT Center For Human Genetics Tuebingen Variant Classification Criteria Version 2. Collection method: clinical testing. Allele origin: germline. Affected: yes. Observed: 2 variant alleles.
Comment: INSRR: BP4, BS1